The following is an entry in ClinVar:

ClinVar aggregate classification (germline): Uncertain significance (1 of 4 stars; one submission).

Allele frequency attached by ClinVar (database versions not stated): gnomAD exomes below 0.00001; gnomAD 0.00001.
gnomAD v4.1: 2 of 1,208,795 alleles (0.00017%); highest among the groups gnomAD compares: Non-Finnish European, 0.00022%; no homozygotes.

Submission:

CeGaT Center for Human Genetics Tuebingen
Classification: Uncertain significance. Last evaluated: 2024-04-01. Review status: criteria provided, single submitter. Criteria: CeGaT Center For Human Genetics Tuebingen Variant Classification Criteria Version 2. Collection method: clinical testing. Allele origin: germline. Affected: yes. Observed: 1 variant allele.
Comment: CSTF2: PM2

NM_001325.3(CSTF2):c.1363A>G (p.Met455Val)

Gene: CSTF2 (cleavage stimulation factor subunit 2; plus strand). Cytogenetic location: Xq22.1.
Variant type: single nucleotide variant.
Coding change: c.1363A>G on transcript NM_001325.3 (MANE Select); coding-DNA position 1363, A replaced by G.
Protein change: p.Met455Val; replaces methionine 455 with valine.
Molecular consequence: missense variant.
Genome position (GRCh38, 1-based): chrX:100,833,335, A>G. VCF-style: chrX-100833335-A-G. GRCh37 (hg19) VCF-style: chrX-100088324-A-G.
Other names: c.1423A>G, p.Met475Val (NM_001306206.2); c.1312A>G, p.Met438Val (NM_001306209.2); short protein forms M438V, M455V, M475V.
Identifiers: ClinVar variation 3239337 (VCV003239337.19), dbSNP rs1468493511.